The following is an entry in ClinVar:

ClinVar aggregate classification (germline): Likely benign (1 of 4 stars; one submission).

Allele frequency attached by ClinVar (database versions not stated): gnomAD exomes below 0.00001.
gnomAD v4.1: 1 of 1,608,104 alleles (0.000062%); highest among the groups gnomAD compares: South Asian, 0.0011%; no homozygotes.

Submission:

GeneDx
Classification: Likely benign. Last evaluated: 2017-12-04. Review status: criteria provided, single submitter. Criteria: GeneDx Variant Classification (06012015). Collection method: clinical testing. Allele origin: germline. Affected: yes.
Comment: This variant is considered likely benign or benign based on one or more of the following criteria: it is a conservative change, it occurs at a poorly conserved position in the protein, it is predicted to be benign by multiple in silico algorithms, and/or has population frequency not consistent with disease.

NM_001267550.2(TTN):c.56497G>A (p.Val18833Ile)

Genes: TTN (titin; minus strand), TTN-AS1 (TTN antisense RNA 1; plus strand). Cytogenetic location: 2q31.2.
Variant type: single nucleotide variant.
Coding change: c.56497G>A on transcript NM_001267550.2 (MANE Select); coding-DNA position 56497, G replaced by A.
Protein change: p.Val18833Ile; replaces valine 18833 with isoleucine.
Molecular consequence: missense variant.
Genome position (GRCh38, 1-based): chr2:178,599,296, C>T on the plus strand (G>A on the coding strand, the complement: TTN is on the minus strand). VCF-style: chr2-178599296-C-T. GRCh37 (hg19) VCF-style: chr2-179464023-C-T.
Other names: c.51574G>A, p.Val17192Ile (NM_001256850.1); c.29302G>A, p.Val9768Ile (NM_003319.4); c.48793G>A, p.Val16265Ile (NM_133378.4); c.29677G>A, p.Val9893Ile (NM_133432.3); c.29878G>A, p.Val9960Ile (NM_133437.4); short protein forms V17192I, V18833I, V9960I, V16265I, V9768I, V9893I.
Identifiers: ClinVar variation 513989 (VCV000513989.1), dbSNP rs1553665072, ClinGen allele CA349529693.